The following is an entry in ClinVar:

ClinVar aggregate classification (germline): Uncertain significance (1 of 4 stars; one submission).

Submission:

Labcorp Genetics (formerly Invitae), Labcorp
Classification: Uncertain significance. Last evaluated: 2024-01-17. Review status: criteria provided, single submitter. Criteria: Invitae Variant Classification Sherloc (09022015). Collection method: clinical testing. Allele origin: germline.
Comment: This sequence change replaces isoleucine, which is neutral and non-polar, with leucine, which is neutral and non-polar, at codon 612 of the CPLANE1 protein (p.Ile612Leu). This variant is not present in population databases (gnomAD no frequency). This variant has not been reported in the literature in individuals affected with CPLANE1-related conditions. ClinVar contains an entry for this variant (Variation ID: 1398710). Advanced modeling of protein sequence and biophysical properties (such as structural, functional, and spatial information, amino acid conservation, physicochemical variation, residue mobility, and thermodynamic stability) performed at Invitae indicates that this missense variant is not expected to disrupt CPLANE1 protein function with a negative predictive value of 95%. In summary, the available evidence is currently insufficient to determine the role of this variant in disease. Therefore, it has been classified as a Variant of Uncertain Significance.

NM_001384732.1(CPLANE1):c.1834A>T (p.Ile612Leu)

Gene: CPLANE1 (ciliogenesis and planar polarity effector complex subunit 1; minus strand). Cytogenetic location: 5p13.2.
Variant type: single nucleotide variant.
Coding change: c.1834A>T on transcript NM_001384732.1 (MANE Select); coding-DNA position 1834, A replaced by T.
Protein change: p.Ile612Leu; replaces isoleucine 612 with leucine.
Molecular consequence: missense variant.
Genome position (GRCh38, 1-based): chr5:37,226,761, T>A on the plus strand (A>T on the coding strand, the complement: CPLANE1 is on the minus strand). VCF-style: chr5-37226761-T-A. GRCh37 (hg19) VCF-style: chr5-37226863-T-A.
Other names: c.1834A>T, p.Ile612Leu (NM_023073.4); short protein forms I612L.
Identifiers: ClinVar variation 1398710 (VCV001398710.8), dbSNP rs2150438440, ClinGen allele CA359499001.
Genomic context (GRCh38, chr5:37,226,761, plus strand): 5'-ATGCATTATGTCTTGAGCTTTTGCTTAAAACAAGATCAAGTTTAGGAAAAGGACATTTTA[T>A]AAATTGAAGAATGTAAAAAAAATGAGTGATACAAACTACTATGTAATTTAACATTAAATT-3'
Protein context (NP_001371661.1, residues 602-622): ITHFFYILQF[Ile612Leu]KCPFPKLDLV